The following is an entry in ClinVar:

ClinVar aggregate classification (germline): Uncertain significance (1 of 4 stars; one submission).

Conditions:
Kabuki syndrome. Also called: NIIKAWA-KUROKI SYNDROME; Kabuki make-up syndrome. Identifiers: Orphanet 2322, MedGen C0796004, MONDO:0016512.

Submission:

Labcorp Genetics (formerly Invitae), Labcorp
Classification: Uncertain significance for Kabuki syndrome. Last evaluated: 2023-01-15. Review status: criteria provided, single submitter. Criteria: Invitae Variant Classification Sherloc (09022015). Collection method: clinical testing. Allele origin: germline.
Comment: In summary, the available evidence is currently insufficient to determine the role of this variant in disease. Therefore, it has been classified as a Variant of Uncertain Significance. This sequence change replaces glutamine, which is neutral and polar, with glutamic acid, which is acidic and polar, at codon 3971 of the KMT2D protein (p.Gln3971Glu). Advanced modeling of protein sequence and biophysical properties (such as structural, functional, and spatial information, amino acid conservation, physicochemical variation, residue mobility, and thermodynamic stability) performed at Invitae indicates that this missense variant is not expected to disrupt KMT2D protein function. This variant is not present in population databases (gnomAD no frequency). This variant has not been reported in the literature in individuals affected with KMT2D-related conditions.

NM_003482.4(KMT2D):c.11911C>G (p.Gln3971Glu)

Gene: KMT2D (lysine methyltransferase 2D; minus strand). Cytogenetic location: 12q13.12.
Variant type: single nucleotide variant.
Coding change: c.11911C>G on transcript NM_003482.4 (MANE Select); coding-DNA position 11911, C replaced by G.
Protein change: p.Gln3971Glu; replaces glutamine 3971 with glutamic acid.
Molecular consequence: missense variant.
Genome position (GRCh38, 1-based): chr12:49,032,794, G>C on the plus strand (C>G on the coding strand, the complement: KMT2D is on the minus strand). VCF-style: chr12-49032794-G-C. GRCh37 (hg19) VCF-style: chr12-49426577-G-C.
Other names: short protein forms Q3971E.
Identifiers: ClinVar variation 2826070 (VCV002826070.3), dbSNP rs2498359908, ClinGen allele CA384714158.